The following is an entry in ClinVar:

ClinVar aggregate classification (germline): Benign. Review status: criteria provided, multiple submitters, no conflicts (2 of 4 stars). 4 submissions from 4 submitters: Benign (4). Last evaluated 2026-01-28.

Conditions:
Cataract 33. Also called: CATARACT 33, CORTICAL. Identifiers: Orphanet 91492, MedGen C3808107, MONDO:0012665, OMIM 611391.

Allele frequency attached by ClinVar (database versions not stated): 1000 Genomes Project 0.20587; 1000 Genomes Project 30x 0.21081; gnomAD exomes 0.24513 and 0.27379; ExAC 0.24629; gnomAD 0.25931 and 0.26382; TOPMed 0.26084; ESP Exome Variant Server 0.27649.
gnomAD v4.1: 438,548 of 1,613,746 alleles (27%); highest among the groups gnomAD compares: Non-Finnish European, 29%; 61,767 homozygotes.

Submissions (4):

Labcorp Genetics (formerly Invitae), Labcorp
Classification: Benign for Cataract 33. Last evaluated: 2026-01-28. Review status: criteria provided, single submitter. Criteria: Invitae Variant Classification Sherloc (09022015). Collection method: clinical testing. Allele origin: germline.

GeneDx
Classification: Benign. Last evaluated: 2018-04-12. Review status: criteria provided, single submitter. Criteria: GeneDx Variant Classification (06012015). Collection method: clinical testing. Allele origin: germline. Affected: yes.
Comment: This variant is considered likely benign or benign based on one or more of the following criteria: it is a conservative change, it occurs at a poorly conserved position in the protein, it is predicted to be benign by multiple in silico algorithms, and/or has population frequency not consistent with disease.

Breakthrough Genomics
Classification: Benign. Review status: criteria provided, single submitter. Criteria: ACMG Guidelines, 2015. Collection method: not provided. Allele origin: germline. Inheritance: Autosomal recessive inheritance. Affected: yes.

PreventionGenetics, part of Exact Sciences
Classification: Benign. Review status: criteria provided, single submitter. Criteria: ACMG Guidelines, 2015. Collection method: clinical testing. Allele origin: germline.

NM_001195.5(BFSP1):c.1926C>T (p.Thr642=)

Gene: BFSP1 (beaded filament structural protein 1; minus strand). Cytogenetic location: 20p12.1.
Variant type: single nucleotide variant.
Coding change: c.1926C>T on transcript NM_001195.5 (MANE Select); coding-DNA position 1926, C replaced by T.
Protein change: p.Thr642=; no amino-acid change (threonine 642 retained).
Molecular consequence: synonymous variant.
Genome position (GRCh38, 1-based): chr20:17,494,146, G>A on the plus strand (C>T on the coding strand, the complement: BFSP1 is on the minus strand). VCF-style: chr20-17494146-G-A. GRCh37 (hg19) VCF-style: chr20-17474791-G-A.
Other names: c.1551C>T, p.Thr517= (NM_001161705.2); c.1509C>T, p.Thr503= (NM_001278606.2, NM_001278608.2); c.1593C>T, p.Thr531= (NM_001278607.2).
Identifiers: ClinVar variation 257616 (VCV000257616.12), dbSNP rs6080717, ClinGen allele CA9771956.
Genomic context (GRCh38, chr20:17,494,146, plus strand): 5'-CTCTCCTGATTTCTTCTTGTCTGACTTTGTCTTTCCAATCATGGTCTCCACGATCACAGC[G>A]GTTTCTTCATATGTCTGAATGCTCTCCGTGGAAATCTTCTCGATAGATTCCACCACTTCC-3'
Protein context (NP_001186.1, residues 632-652): STESIQTYEE[Thr642=]AVIVETMIGK